The following is an entry in ClinVar:

ClinVar aggregate classification (germline): Uncertain significance (1 of 4 stars; one submission).

Conditions:
2-aminoadipic 2-oxoadipic aciduria (AAKAD). Also called: ALPHA-AMINOADIPIC AND ALPHA-KETOADIPIC ACIDURIA; Aminoadipic aciduria. Identifiers: Orphanet 79154, MedGen C1859817, MONDO:0008774, OMIM 204750.

Allele frequency attached by ClinVar (database versions not stated): TOPMed below 0.00001; gnomAD 0.00001.
gnomAD v4.1: 3 of 1,608,794 alleles (0.00019%); highest among the groups gnomAD compares: Non-Finnish European, 0.00025%; no homozygotes.

Submission:

Labcorp Genetics (formerly Invitae), Labcorp
Classification: Uncertain significance for 2-aminoadipic 2-oxoadipic aciduria. Last evaluated: 2025-05-12. Review status: criteria provided, single submitter. Criteria: Invitae Variant Classification Sherloc (09022015). Collection method: clinical testing. Allele origin: germline.
Comment: This sequence change replaces histidine, which is basic and polar, with tyrosine, which is neutral and polar, at codon 828 of the DHTKD1 protein (p.His828Tyr). This variant is not present in population databases (gnomAD no frequency). This variant has not been reported in the literature in individuals affected with DHTKD1-related conditions. ClinVar contains an entry for this variant (Variation ID: 1949240). An algorithm developed to predict the effect of missense changes on protein structure and function outputs the following: PolyPhen-2: "Benign". The tyrosine amino acid residue is found in multiple mammalian species, which suggests that this missense change does not adversely affect protein function. In summary, the available evidence is currently insufficient to determine the role of this variant in disease. Therefore, it has been classified as a Variant of Uncertain Significance.

NM_018706.7(DHTKD1):c.2482C>T (p.His828Tyr)

Gene: DHTKD1 (dehydrogenase E1 and transketolase domain containing 1; plus strand). Cytogenetic location: 10p14.
Variant type: single nucleotide variant.
Coding change: c.2482C>T on transcript NM_018706.7 (MANE Select); coding-DNA position 2482, C replaced by T.
Protein change: p.His828Tyr; replaces histidine 828 with tyrosine.
Molecular consequence: missense variant.
Genome position (GRCh38, 1-based): chr10:12,118,828, C>T. VCF-style: chr10-12118828-C-T. GRCh37 (hg19) VCF-style: chr10-12160827-C-T.
Other names: short protein forms H828Y.
Identifiers: ClinVar variation 1949240 (VCV001949240.5), dbSNP rs1483009058, ClinGen allele CA376016406.